The following is an entry in ClinVar:

NM_152743.4(BRAT1):c.2330G>C (p.Arg777Thr)

Gene: BRAT1 (BRCA1 associated ATM activator 1; minus strand). Cytogenetic location: 7p22.3.
Variant type: single nucleotide variant.
Coding change: c.2330G>C on transcript NM_152743.4 (MANE Select); coding-DNA position 2330, G replaced by C.
Protein change: p.Arg777Thr; replaces arginine 777 with threonine.
Molecular consequence: missense variant. On other transcripts: non-coding transcript variant (1).
Genome position (GRCh38, 1-based): chr7:2,538,205, C>G on the plus strand (G>C on the coding strand, the complement: BRAT1 is on the minus strand). VCF-style: chr7-2538205-C-G. GRCh37 (hg19) VCF-style: chr7-2577839-C-G.
Other names: c.2510G>C, p.Arg837Thr (NM_001350626.2); c.1805G>C, p.Arg602Thr (NM_001350627.2); short protein forms R602T, R777T, R837T.
Identifiers: ClinVar variation 3765590 (VCV003765590.1).

ClinVar aggregate classification (germline): Uncertain significance (1 of 4 stars; one submission).

Submission:

Greenwood Genetic Center Diagnostic Laboratories, Greenwood Genetic Center
Classification: Uncertain significance. Last evaluated: 2024-08-15. Review status: criteria provided, single submitter. Criteria: ACMG Guidelines, 2015. Collection method: clinical testing. Allele origin: germline. Affected: yes.
Comment: PM2, BP4